The following is an entry in ClinVar:

ClinVar aggregate classification (germline): Uncertain significance (1 of 4 stars; one submission).

Conditions:
Argininosuccinate lyase deficiency. Also called: Argininosuccinic aciduria; ARGININOSUCCINIC ACID LYASE DEFICIENCY; ASL DEFICIENCY. Identifiers: Orphanet 23, MedGen C0268547, MONDO:0008815, OMIM 207900, HP:0025630.

Allele frequency attached by ClinVar (database versions not stated): TOPMed below 0.00001; gnomAD 0.00001; gnomAD exomes 0.00002; ExAC 0.00006.

Submission:

Labcorp Genetics (formerly Invitae), Labcorp
Classification: Uncertain significance for Argininosuccinate lyase deficiency. Last evaluated: 2021-04-21. Review status: criteria provided, single submitter. Criteria: Invitae Variant Classification Sherloc (09022015). Collection method: clinical testing. Allele origin: germline.
Comment: This sequence change replaces valine with methionine at codon 303 of the ASL protein (p.Val303Met). The valine residue is highly conserved and there is a small physicochemical difference between valine and methionine. This variant is present in population databases (rs375562374, ExAC 0.01%). This variant has not been reported in the literature in individuals with ASL-related disease. Algorithms developed to predict the effect of missense changes on protein structure and function are either unavailable or do not agree on the potential impact of this missense change (SIFT: "Deleterious"; PolyPhen-2: "Benign"; Align-GVGD: "Class C0"). In summary, the available evidence is currently insufficient to determine the role of this variant in disease. Therefore, it has been classified as a Variant of Uncertain Significance.

NM_000048.4(ASL):c.907G>A (p.Val303Met)

Gene: ASL (argininosuccinate lyase; plus strand). Cytogenetic location: 7q11.21.
Variant type: single nucleotide variant.
Coding change: c.907G>A on transcript NM_000048.4 (MANE Select); coding-DNA position 907, G replaced by A.
Protein change: p.Val303Met; replaces valine 303 with methionine.
Molecular consequence: missense variant.
Genome position (GRCh38, 1-based): chr7:66,089,164, G>A. VCF-style: chr7-66089164-G-A. GRCh37 (hg19) VCF-style: chr7-65554151-G-A.
Other names: c.907G>A, p.Val303Met (NM_001024943.2, NM_001024944.2); c.829G>A, p.Val277Met (NM_001024946.2); short protein forms V277M, V303M.
Identifiers: ClinVar variation 2144511 (VCV002144511.1), dbSNP rs375562374, ClinGen allele CA4277168.